The following is an entry in ClinVar:

ClinVar aggregate classification (germline): Uncertain significance (1 of 4 stars; one submission).

gnomAD v4.1: 9 of 1,613,884 alleles (0.00056%); highest among the groups gnomAD compares: Non-Finnish European, 0.00025%; no homozygotes.

Submission:

Labcorp Genetics (formerly Invitae), Labcorp
Classification: Uncertain significance. Last evaluated: 2025-12-19. Review status: criteria provided, single submitter. Criteria: Invitae Variant Classification Sherloc (09022015). Collection method: clinical testing. Allele origin: germline.
Comment: This sequence change falls in intron 11 of the FCHO1 gene. It does not directly change the encoded amino acid sequence of the FCHO1 protein. This variant is present in population databases (rs760899372, gnomAD 0.009%). This variant has not been reported in the literature in individuals affected with FCHO1-related conditions. Algorithms developed to predict the effect of sequence changes on RNA splicing suggest that this variant may disrupt the consensus splice site. In summary, the available evidence is currently insufficient to determine the role of this variant in disease. Therefore, it has been classified as a Variant of Uncertain Significance.

NM_015122.3(FCHO1):c.791-8T>A

Gene: FCHO1 (FCH and mu domain containing endocytic adaptor 1; plus strand). Cytogenetic location: 19p13.11.
Variant type: single nucleotide variant.
Coding change: c.791-8T>A on transcript NM_015122.3 (MANE Select); 8 bases into the intron before coding-DNA position 791, T replaced by A.
Molecular consequence: intron variant.
Genome position (GRCh38, 1-based): chr19:17,774,231, T>A. VCF-style: chr19-17774231-T-A. GRCh37 (hg19) VCF-style: chr19-17885040-T-A.
Other names: c.791-8T>A (NM_001384370.1, NM_001384396.1, NM_001384404.1 and 25 more transcripts); c.716-8T>A (NM_001384390.1); c.641-8T>A (NM_001384406.1, NM_001384407.1, NM_001384384.1 and 3 more transcripts); c.791-163T>A (NM_001384403.1); c.752-8T>A (NM_001384388.1, NM_001384405.1, NM_001384389.1).
Identifiers: ClinVar variation 4805770 (VCV004805770.1).